The following is an entry in ClinVar:

NM_005876.5(SPEG):c.4486G>A (p.Val1496Met)

Gene: SPEG (striated muscle enriched protein kinase; plus strand). Cytogenetic location: 2q35.
Variant type: single nucleotide variant.
Coding change: c.4486G>A on transcript NM_005876.5 (MANE Select); coding-DNA position 4486, G replaced by A.
Protein change: p.Val1496Met; replaces valine 1496 with methionine.
Molecular consequence: missense variant.
Genome position (GRCh38, 1-based): chr2:219,476,908, G>A. VCF-style: chr2-219476908-G-A. GRCh37 (hg19) VCF-style: chr2-220341630-G-A.
Other names: short protein forms V1496M.
Identifiers: ClinVar variation 1359881 (VCV001359881.8), dbSNP rs1335696919, ClinGen allele CA350679826.

ClinVar aggregate classification (germline): Uncertain significance (1 of 4 stars; one submission).

Allele frequency attached by ClinVar (database versions not stated): gnomAD exomes below 0.00001.
gnomAD v4.1: 2 of 1,613,872 alleles (0.00012%); highest among the groups gnomAD compares: Admixed American, 0.0017%; no homozygotes.

Submission:

Labcorp Genetics (formerly Invitae), Labcorp
Classification: Uncertain significance. Last evaluated: 2021-06-08. Review status: criteria provided, single submitter. Criteria: Invitae Variant Classification Sherloc (09022015). Collection method: clinical testing. Allele origin: germline.
Comment: In summary, the available evidence is currently insufficient to determine the role of this variant in disease. Therefore, it has been classified as a Variant of Uncertain Significance. Algorithms developed to predict the effect of missense changes on protein structure and function are either unavailable or do not agree on the potential impact of this missense change (SIFT: "Deleterious"; PolyPhen-2: "Probably Damaging"; Align-GVGD: "Class C0"). This variant has not been reported in the literature in individuals with SPEG-related conditions. This variant is not present in population databases (ExAC no frequency). This sequence change replaces valine with methionine at codon 1496 of the SPEG protein (p.Val1496Met). The valine residue is highly conserved and there is a small physicochemical difference between valine and methionine.